The following is an entry in ClinVar:

NM_001369.3(DNAH5):c.2260-1G>A

Genes: DNAH5-AS1 (DNAH5 antisense RNA 1; plus strand), DNAH5 (dynein axonemal heavy chain 5; minus strand). Cytogenetic location: 5p15.2.
Variant type: single nucleotide variant.
Coding change: c.2260-1G>A on transcript NM_001369.3 (MANE Select); the canonical splice acceptor site of the intron before coding-DNA position 2260, G replaced by A.
Molecular consequence: splice acceptor variant.
Genome position (GRCh38, 1-based): chr5:13,894,822, C>T on the plus strand (G>A on the coding strand, the complement: DNAH5 is on the minus strand). VCF-style: chr5-13894822-C-T. GRCh37 (hg19) VCF-style: chr5-13894931-C-T.
Identifiers: ClinVar variation 566548 (VCV000566548.7), dbSNP rs1561524235, ClinGen allele CA359201556.

ClinVar aggregate classification (germline): Likely pathogenic (1 of 4 stars; one submission).

Conditions:
Primary ciliary dyskinesia. Also called: Ciliary dyskinesia. Identifiers: Orphanet 244, MedGen C0008780, MONDO:0016575, HP:0012265.

Submission:

Labcorp Genetics (formerly Invitae), Labcorp
Classification: Likely pathogenic for Primary ciliary dyskinesia. Last evaluated: 2023-07-10. Review status: criteria provided, single submitter. Criteria: Invitae Variant Classification Sherloc (09022015). Collection method: clinical testing. Allele origin: germline.
Comment: In summary, the currently available evidence indicates that the variant is pathogenic, but additional data are needed to prove that conclusively. Therefore, this variant has been classified as Likely Pathogenic. Algorithms developed to predict the effect of sequence changes on RNA splicing suggest that this variant may disrupt the consensus splice site. ClinVar contains an entry for this variant (Variation ID: 566548). This variant has not been reported in the literature in individuals affected with DNAH5-related conditions. This variant is not present in population databases (gnomAD no frequency). This sequence change affects an acceptor splice site in intron 15 of the DNAH5 gene. It is expected to disrupt RNA splicing. Variants that disrupt the donor or acceptor splice site typically lead to a loss of protein function (PMID: 16199547), and loss-of-function variants in DNAH5 are known to be pathogenic (PMID: 11788826, 16627867).

Literature cited by the submitters: PubMed 16199547; PubMed 11788826; PubMed 16627867.